The following is an entry in ClinVar:

NM_000256.3(MYBPC3):c.927-12T>G

Gene: MYBPC3 (myosin binding protein C3; minus strand). Cytogenetic location: 11p11.2.
Variant type: single nucleotide variant.
Coding change: c.927-12T>G on transcript NM_000256.3 (MANE Select); 12 bases into the intron before coding-DNA position 927, T replaced by G.
Molecular consequence: intron variant.
Genome position (GRCh38, 1-based): chr11:47,346,382, A>C on the plus strand (T>G on the coding strand, the complement: MYBPC3 is on the minus strand). VCF-style: chr11-47346382-A-C. GRCh37 (hg19) VCF-style: chr11-47367933-A-C.
Identifiers: ClinVar variation 2185769 (VCV002185769.4), dbSNP rs2095894196, ClinGen allele CA2580084177.

ClinVar aggregate classification (germline): Uncertain significance (1 of 4 stars; one submission).

Conditions:
Hypertrophic cardiomyopathy. Also called: HYPERTROPHIC MYOCARDIOPATHY. Identifiers: Orphanet 217569, MedGen C0007194, MeSH D002312, MONDO:0005045, HP:0001639.

Allele frequency attached by ClinVar (database versions not stated): gnomAD exomes below 0.00001.
gnomAD v4.1: 1 of 1,560,656 alleles (0.000064%); highest among the groups gnomAD compares: Non-Finnish European, 0.000087%; no homozygotes.

Submission:

Labcorp Genetics (formerly Invitae), Labcorp
Classification: Uncertain significance for Hypertrophic cardiomyopathy. Last evaluated: 2022-12-04. Review status: criteria provided, single submitter. Criteria: Invitae Variant Classification Sherloc (09022015). Collection method: clinical testing. Allele origin: germline.
Comment: This sequence change falls in intron 11 of the MYBPC3 gene. It does not directly change the encoded amino acid sequence of the MYBPC3 protein. This variant is not present in population databases (gnomAD no frequency). This variant has not been reported in the literature in individuals affected with MYBPC3-related conditions. Algorithms developed to predict the effect of sequence changes on RNA splicing suggest that this variant may disrupt the consensus splice site. In summary, the available evidence is currently insufficient to determine the role of this variant in disease. Therefore, it has been classified as a Variant of Uncertain Significance.